The following is an entry in ClinVar:

NM_005188.4(CBL):c.1856C>T (p.Ser619Leu)

Gene: CBL (Cbl proto-oncogene; plus strand). Cytogenetic location: 11q23.3.
Variant type: single nucleotide variant.
Coding change: c.1856C>T on transcript NM_005188.4 (MANE Select); coding-DNA position 1856, C replaced by T.
Protein change: p.Ser619Leu; replaces serine 619 with leucine.
Molecular consequence: missense variant.
Genome position (GRCh38, 1-based): chr11:119,285,481, C>T. VCF-style: chr11-119285481-C-T. GRCh37 (hg19) VCF-style: chr11-119156191-C-T.
Other names: short protein forms S619L.
Identifiers: ClinVar variation 4827375 (VCV004827375.1).

ClinVar aggregate classification (germline): Uncertain significance (1 of 4 stars; one submission).

Conditions:
Cardiovascular phenotype. Identifiers: MedGen CN230736.

gnomAD v4.1: 1 of 1,614,192 alleles (0.000062%); highest among the groups gnomAD compares: Non-Finnish European, 0.000085%; no homozygotes.

Submission:

Ambry Genetics
Classification: Uncertain significance for Cardiovascular phenotype. Last evaluated: 2026-03-09. Review status: criteria provided, single submitter. Criteria: Ambry Variant Classification Scheme 2023. Collection method: clinical testing. Allele origin: germline.
Comment: The p.S619L variant (also known as c.1856C>T), located in coding exon 11 of the CBL gene, results from a C to T substitution at nucleotide position 1856. The serine at codon 619 is replaced by leucine, an amino acid with dissimilar properties. This amino acid position is conserved. In addition, the in silico prediction for this alteration is inconclusive. Based on the available evidence, the clinical significance of this variant remains unclear.